The following is an entry in ClinVar:

NM_000038.6(APC):c.3967G>C (p.Val1323Leu)

Gene: APC (APC regulator of Wnt signaling pathway; plus strand). Cytogenetic location: 5q22.2.
Variant type: single nucleotide variant.
Coding change: c.3967G>C on transcript NM_000038.6 (MANE Select); coding-DNA position 3967, G replaced by C.
Protein change: p.Val1323Leu; replaces valine 1323 with leucine.
Molecular consequence: missense variant.
Genome position (GRCh38, 1-based): chr5:112,839,561, G>C. VCF-style: chr5-112839561-G-C. GRCh37 (hg19) VCF-style: chr5-112175258-G-C.
Other names: c.3967G>C, p.Val1323Leu (NM_001127510.3, NM_001354895.2); c.3913G>C, p.Val1305Leu (NM_001127511.3); c.4021G>C, p.Val1341Leu (NM_001354896.2); c.3997G>C, p.Val1333Leu (NM_001354897.2); c.3892G>C, p.Val1298Leu (NM_001354898.2); c.3883G>C, p.Val1295Leu (NM_001354899.2); c.3844G>C, p.Val1282Leu (NM_001354900.2); c.3790G>C, p.Val1264Leu (NM_001354901.2); and 5 more; short protein forms V1040L, V1282L, V1305L, V1341L, V1163L, V1222L, V1295L, V1298L.
Identifiers: ClinVar variation 928041 (VCV000928041.5), dbSNP rs1765571035, ClinGen allele CA16030034.

ClinVar aggregate classification (germline): Uncertain significance. Review status: criteria provided, multiple submitters, no conflicts (2 of 4 stars). 2 submissions from 2 submitters: Uncertain significance (2). Last evaluated 2022-11-23.

Conditions:
Hereditary cancer-predisposing syndrome. Also called: Neoplastic Syndromes, Hereditary; Hereditary Cancer Syndrome; Tumor predisposition; Hereditary neoplastic syndrome. Identifiers: Orphanet 140162, MedGen C0027672, MeSH D009386, MONDO:0015356.
Familial adenomatous polyposis 1 (FAP1). Also called: FAMILIAL ADENOMATOUS POLYPOSIS 1, ATTENUATED; POLYPOSIS, ADENOMATOUS INTESTINAL. Identifiers: MedGen C2713442, MONDO:0021056, OMIM 175100. Disease mechanism: loss of function.

Allele frequency attached by ClinVar (database versions not stated): gnomAD exomes below 0.00001.
gnomAD v4.1: 1 of 1,614,210 alleles (0.000062%); highest among the groups gnomAD compares: Non-Finnish European, 0.000085%; no homozygotes.

Submissions (2):

Labcorp Genetics (formerly Invitae), Labcorp
Classification: Uncertain significance for Familial adenomatous polyposis 1. Last evaluated: 2022-11-23. Review status: criteria provided, single submitter. Criteria: Invitae Variant Classification Sherloc (09022015). Collection method: clinical testing. Allele origin: germline.
Comment: Advanced modeling of protein sequence and biophysical properties (such as structural, functional, and spatial information, amino acid conservation, physicochemical variation, residue mobility, and thermodynamic stability) performed at Invitae indicates that this missense variant is not expected to disrupt APC protein function. In summary, the available evidence is currently insufficient to determine the role of this variant in disease. Therefore, it has been classified as a Variant of Uncertain Significance. ClinVar contains an entry for this variant (Variation ID: 928041). This variant has not been reported in the literature in individuals affected with APC-related conditions. This variant is not present in population databases (gnomAD no frequency). This sequence change replaces valine, which is neutral and non-polar, with leucine, which is neutral and non-polar, at codon 1323 of the APC protein (p.Val1323Leu).

Color Diagnostics, LLC DBA Color Health
Classification: Uncertain significance for Hereditary cancer-predisposing syndrome. Last evaluated: 2019-03-21. Review status: criteria provided, single submitter. Criteria: ACMG Guidelines, 2015. Collection method: clinical testing. Allele origin: germline.